The following is an entry in ClinVar:

ClinVar aggregate classification (germline): Pathogenic/Likely pathogenic. Review status: criteria provided, multiple submitters, no conflicts (2 of 4 stars). 4 submissions from 4 submitters: Pathogenic (3); Likely pathogenic (1). Last evaluated 2026-08-13.

Conditions:
Familial cancer of breast. Also called: Hereditary breast cancer; BREAST CANCER, FAMILIAL; hereditary breast carcinoma. Identifiers: Orphanet 227535, MedGen C0346153, MONDO:0016419, OMIM 114480. Disease mechanism: loss of function.
Hereditary cancer-predisposing syndrome. Also called: Neoplastic Syndromes, Hereditary; Hereditary neoplastic syndrome; Tumor predisposition; Hereditary Cancer Syndrome. Identifiers: Orphanet 140162, MedGen C0027672, MeSH D009386, MONDO:0015356.

Submissions (4):

Ambry Genetics
Classification: Pathogenic for Hereditary cancer-predisposing syndrome. Last evaluated: 2026-08-13. Review status: criteria provided, single submitter. Criteria: Ambry Variant Classification Scheme 2023. Collection method: clinical testing. Allele origin: germline.
Comment: The p.Q336* pathogenic mutation (also known as c.1006C>T), located in coding exon 8 of the CHEK2 gene, results from a C to T substitution at nucleotide position 1006. This changes the amino acid from a glutamine to a stop codon within coding exon 8. This variant is considered to be rare based on population cohorts in the Genome Aggregation Database (gnomAD). This alteration is expected to result in loss of function by premature protein truncation or nonsense-mediated mRNA decay. As such, this alteration is interpreted as a disease-causing mutation.

Labcorp Genetics (formerly Invitae), Labcorp
Classification: Pathogenic for Familial cancer of breast. Last evaluated: 2025-10-23. Review status: criteria provided, single submitter. Criteria: Invitae Variant Classification Sherloc (09022015). Collection method: clinical testing. Allele origin: germline.
Comment: This sequence change creates a premature translational stop signal (p.Gln336*) in the CHEK2 gene. It is expected to result in an absent or disrupted protein product. Loss-of-function variants in CHEK2 are known to be pathogenic (PMID: 21876083, 24713400). This variant is not present in population databases (gnomAD no frequency). This variant has not been reported in the literature in individuals affected with CHEK2-related conditions. ClinVar contains an entry for this variant (Variation ID: 1675879). Algorithms developed to predict the effect of sequence changes on RNA splicing suggest that this variant may disrupt the consensus splice site. For these reasons, this variant has been classified as Pathogenic.

Myriad Genetics, Inc.
Classification: Pathogenic for Familial cancer of breast. Last evaluated: 2023-06-27. Review status: criteria provided, single submitter. Criteria: Myriad Autosomal Dominant, Autosomal Recessive and X-Linked Classification Criteria (2023). Collection method: clinical testing. Allele origin: unknown.
Comment: This variant is considered pathogenic. This variant creates a termination codon and is predicted to result in premature protein truncation.

CeGaT Center for Human Genetics Tuebingen
Classification: Likely pathogenic. Last evaluated: 2022-02-01. Review status: criteria provided, single submitter. Criteria: CeGaT Center For Human Genetics Tuebingen Variant Classification Criteria Version 2. Collection method: clinical testing. Allele origin: germline. Affected: yes. Observed: 1 variant allele.

Literature cited by the submitters: PubMed 21876083 (cited by Labcorp Genetics (formerly Invitae), Labcorp); PubMed 24713400 (cited by Labcorp Genetics (formerly Invitae), Labcorp).

NM_007194.4(CHEK2):c.1006C>T (p.Gln336Ter)

Gene: CHEK2 (checkpoint kinase 2; minus strand). Cytogenetic location: 22q12.1.
Variant type: single nucleotide variant.
Coding change: c.1006C>T on transcript NM_007194.4 (MANE Select); coding-DNA position 1006, C replaced by T.
Protein change: p.Gln336Ter; replaces glutamine 336 with a stop codon.
Molecular consequence: nonsense.
Genome position (GRCh38, 1-based): chr22:28,699,840, G>A on the plus strand (C>T on the coding strand, the complement: CHEK2 is on the minus strand). VCF-style: chr22-28699840-G-A. GRCh37 (hg19) VCF-style: chr22-29095828-G-A.
Other names: c.1135C>T, p.Gln379Ter (NM_001005735.3); c.343C>T, p.Gln115Ter (NM_001257387.3); c.805C>T, p.Gln269Ter (NM_001349956.3); c.1006C>T, p.Gln336Ter (NM_145862.3); short protein forms Q115*, Q269*, Q336*, Q379*.
Identifiers: ClinVar variation 1675879 (VCV001675879.38), dbSNP rs2145841361, ClinGen allele CA411099298.